The following is an entry in ClinVar:

NM_001035.3(RYR2):c.11557+6T>A

Gene: RYR2 (ryanodine receptor 2; plus strand). Cytogenetic location: 1q43.
Variant type: single nucleotide variant.
Coding change: c.11557+6T>A on transcript NM_001035.3 (MANE Select); 6 bases into the intron after coding-DNA position 11557, T replaced by A.
Molecular consequence: intron variant.
Genome position (GRCh38, 1-based): chr1:237,770,893, T>A. VCF-style: chr1-237770893-T-A. GRCh37 (hg19) VCF-style: chr1-237934193-T-A.
Identifiers: ClinVar variation 1171558 (VCV001171558.2), dbSNP rs2149310783, ClinGen allele CA2499214592.
Genomic context (GRCh38, chr1:237,770,893, plus strand): 5'-TTCACCTGTGACCTCTTCCGATTCCTGCAACTACTCTGTGAGGGACACAACTCAGGTTTG[T>A]GAGTCCCCGGAACTTCTGATGATACTAAGGCATAAATAATGTTTTCAAGCCAGTAATAAC-3'

ClinVar aggregate classification (germline): Uncertain significance (1 of 4 stars; one submission).

Conditions:
Cardiomyopathy (CMYO). Also called: Cardiomyopathies. Identifiers: Orphanet 167848, MedGen C0878544, MONDO:0004994, HP:0001638. Inheritance: Various modes of inheritance.

Submission:

Color Diagnostics, LLC DBA Color Health
Classification: Uncertain significance for Cardiomyopathy. Last evaluated: 2020-10-13. Review status: criteria provided, single submitter. Criteria: ACMG Guidelines, 2015. Collection method: clinical testing. Allele origin: germline.
Comment: This variant causes a T to A nucleotide substitution at the +6 position of intron 85 of the RYR2 gene. Splice prediction tools and conservation analysis are inconclusive regarding the impact of this variant on RNA splicing. To our knowledge, functional studies have not been reported for this variant. This variant has not been reported in individuals affected with cardiovascular disorders in the literature. This variant has not been identified in the general population by the Genome Aggregation Database (gnomAD). The available evidence is insufficient to determine the role of this variant in disease conclusively. Therefore, this variant is classified as a Variant of Uncertain Significance.